The following is an entry in ClinVar:

NM_005565.5(LCP2):c.600A>G (p.Pro200=)

Gene: LCP2 (lymphocyte cytosolic protein 2; minus strand). Cytogenetic location: 5q35.1.
Variant type: single nucleotide variant.
Coding change: c.600A>G on transcript NM_005565.5 (MANE Select); coding-DNA position 600, A replaced by G.
Protein change: p.Pro200=; no amino-acid change (proline 200 retained).
Molecular consequence: synonymous variant.
Genome position (GRCh38, 1-based): chr5:170,268,406, T>C on the plus strand (A>G on the coding strand, the complement: LCP2 is on the minus strand). VCF-style: chr5-170268406-T-C. GRCh37 (hg19) VCF-style: chr5-169695410-T-C.
Identifiers: ClinVar variation 4281346 (VCV004281346.7).
Genomic context (GRCh38, chr5:170,268,406, plus strand): 5'-TGGACACCAAGTACTGTAAAAGAACGGGAGGAGGCCTACCGAGTGATTCCGGCCGGCTGG[T>C]GGGGGCGGGAGGGCGGCCATCGGTCTCTGGGGGGGCACAGGAGGCTGCTGGGGGGTTTTC-3'
Protein context (NP_005556.1, residues 190-210): PQRPMAALPP[Pro200=]PAGRNHSPLP

ClinVar aggregate classification (germline): Likely benign (1 of 4 stars; one submission).

gnomAD v4.1: 4 of 466,544 alleles (0.00086%); highest among the groups gnomAD compares: Non-Finnish European, 0.001%; no homozygotes.

Submission:

CeGaT Center for Human Genetics Tuebingen
Classification: Likely benign. Last evaluated: 2025-09-01. Review status: criteria provided, single submitter. Criteria: CeGaT Center For Human Genetics Tuebingen Variant Classification Criteria Version 2. Collection method: clinical testing. Allele origin: germline. Affected: yes. Observed: 1 variant allele.
Comment: LCP2: BP4, BP7